The following is an entry in ClinVar:

NM_000717.5(CA4):c.128G>T (p.Gly43Val)

Gene: CA4 (carbonic anhydrase 4; plus strand). Cytogenetic location: 17q23.1.
Variant type: single nucleotide variant.
Coding change: c.128G>T on transcript NM_000717.5 (MANE Select); coding-DNA position 128, G replaced by T.
Protein change: p.Gly43Val; replaces glycine 43 with valine.
Molecular consequence: missense variant. On other transcripts: non-coding transcript variant (1).
Genome position (GRCh38, 1-based): chr17:60,156,575, G>T. VCF-style: chr17-60156575-G-T. GRCh37 (hg19) VCF-style: chr17-58233936-G-T.
Other names: short protein forms G43V.
Identifiers: ClinVar variation 890022 (VCV000890022.6), dbSNP rs563335203, ClinGen allele CA8685243.

ClinVar aggregate classification (germline): Conflicting classifications of pathogenicity. Review status: criteria provided, conflicting classifications (1 of 4 stars). 3 submissions from 3 submitters: Uncertain significance (1); Likely benign (2). Last evaluated 2025-03-27.

Conditions:
Retinitis pigmentosa (RP). Identifiers: Orphanet 791, MedGen C0035334, MeSH D012174, MONDO:0019200, OMIM 268000. Inheritance: Autosomal dominant, autosomal recessive and X linked inheritance.

Allele frequency attached by ClinVar (database versions not stated): TOPMed below 0.00001; gnomAD 0.00001 and 0.00003; gnomAD exomes 0.00002 and 0.00008; ExAC 0.00008; 1000 Genomes Project 30x 0.00031; 1000 Genomes Project 0.00040.
gnomAD v4.1: 37 of 1,614,220 alleles (0.0023%); highest among the groups gnomAD compares: South Asian, 0.035%; 2 homozygotes.

Submissions (3):

Labcorp Genetics (formerly Invitae), Labcorp
Classification: Uncertain significance. Last evaluated: 2025-03-27. Review status: criteria provided, single submitter. Criteria: Invitae Variant Classification Sherloc (09022015). Collection method: clinical testing. Allele origin: germline.
Comment: This sequence change replaces glycine, which is neutral and non-polar, with valine, which is neutral and non-polar, at codon 43 of the CA4 protein (p.Gly43Val). This variant is present in population databases (rs563335203, gnomAD 0.06%), and has an allele count higher than expected for a pathogenic variant. This variant has not been reported in the literature in individuals affected with CA4-related conditions. ClinVar contains an entry for this variant (Variation ID: 890022). An algorithm developed to predict the effect of missense changes on protein structure and function (PolyPhen-2) suggests that this variant is likely to be disruptive. In summary, the available evidence is currently insufficient to determine the role of this variant in disease. Therefore, it has been classified as a Variant of Uncertain Significance.

Blueprint Genetics
Classification: Likely benign. Last evaluated: 2022-08-23. Review status: criteria provided, single submitter. Criteria: ACMG Guidelines, 2015. Collection method: clinical testing. Allele origin: germline.

Illumina Laboratory Services, Illumina
Classification: Likely benign for Retinitis pigmentosa. Last evaluated: 2017-04-27. Review status: criteria provided, single submitter. Criteria: ICSL Variant Classification Criteria 13 December 2019. Collection method: clinical testing. Allele origin: germline.
Comment: This variant was observed as part of a predisposition screen in an ostensibly healthy population. A literature search was performed for the gene, cDNA change, and amino acid change (where applicable). No publications were found based on this search. Allele frequency data from public databases allowed determination this variant is unlikely to cause disease. Therefore, this variant is classified as likely benign.